The following is an entry in ClinVar:

NM_001367624.2(ZNF469):c.11693G>A (p.Gly3898Glu)

Gene: ZNF469 (zinc finger protein 469; plus strand). Cytogenetic location: 16q24.2.
Variant type: single nucleotide variant.
Coding change: c.11693G>A on transcript NM_001367624.2 (MANE Select); coding-DNA position 11693, G replaced by A.
Protein change: p.Gly3898Glu; replaces glycine 3898 with glutamic acid.
Molecular consequence: missense variant.
Genome position (GRCh38, 1-based): chr16:88,439,163, G>A. VCF-style: chr16-88439163-G-A. GRCh37 (hg19) VCF-style: chr16-88505571-G-A.
Other names: NM_001127464.1:c.11609G>A; short protein forms G3898E.
Identifiers: ClinVar variation 3476151 (VCV003476151.1).

ClinVar aggregate classification (germline): Uncertain significance (1 of 4 stars; one submission).

Conditions:
Cardiovascular phenotype. Identifiers: MedGen CN230736.

gnomAD v4.1: 10 of 1,550,418 alleles (0.00064%); highest among the groups gnomAD compares: African/African-American, 0.011%; no homozygotes.

Submission:

Ambry Genetics
Classification: Uncertain significance for Cardiovascular phenotype. Last evaluated: 2024-06-27. Review status: criteria provided, single submitter. Criteria: Ambry Variant Classification Scheme 2023. Collection method: clinical testing. Allele origin: germline.
Comment: The p.G3870E variant (also known as c.11609G>A), located in coding exon 2 of the ZNF469 gene, results from a G to A substitution at nucleotide position 11609. The glycine at codon 3870 is replaced by glutamic acid, an amino acid with similar properties. This amino acid position is conserved. In addition, this alteration is predicted to be tolerated by in silico analysis. Based on the available evidence, the clinical significance of this variant remains unclear.